The following is an entry in ClinVar:

ClinVar aggregate classification (germline): Conflicting classifications of pathogenicity. Review status: criteria provided, conflicting classifications (1 of 4 stars). 7 submissions from 7 submitters: Uncertain significance (6); Likely benign (1). Last evaluated 2026-04-24.

Conditions:
Meckel syndrome, type 11 (MKS11). Identifiers: Orphanet 564, MedGen C3809352, MONDO:0014164, OMIM 615397.
Joubert syndrome 20 (JBTS20). Identifiers: Orphanet 475, MedGen C3554235, MONDO:0013994, OMIM 614970.
TMEM231-related disorder. Also called: TMEM231-related condition.
Inborn genetic diseases. Identifiers: MedGen C0950123, MeSH D030342.

Allele frequency attached by ClinVar (database versions not stated): ExAC 0.00045; gnomAD exomes 0.00053 and 0.00102; 1000 Genomes Project 0.00060; ESP Exome Variant Server 0.00066; gnomAD 0.00068 and 0.00071; TOPMed 0.00076; 1000 Genomes Project 30x 0.00078.
gnomAD v4.1: 1,572 of 1,613,250 alleles (0.097%); highest among the groups gnomAD compares: Non-Finnish European, 0.12%; no homozygotes.

Submissions (7):

PreventionGenetics, part of Exact Sciences
Classification: Uncertain significance for TMEM231-related condition. Last evaluated: 2026-04-24. Review status: criteria provided, single submitter. Criteria: ACMG Guidelines, 2015. Collection method: clinical testing. Allele origin: germline.
Comment: The TMEM231 c.950A>C variant is predicted to result in the amino acid substitution p.Glu317Ala. To our knowledge, this variant has not been reported in the literature. This variant is reported in 0.082% of alleles in individuals of European (Non-Finnish) descent in gnomAD. Of note, an alternate amino acid substitution affecting the same amino acid (p.Glu317Lys) has been reported in the homozygous state in a patient with features consistent with a TMEM231-related disease (referred to as p.E293K in Table S4 - Farwell et al. 2015. PubMed ID: 25356970). Taken together, although we suspect that the c.950A>C (p.Glu317Ala) variant may be benign, at this time, the clinical significance of this variant is uncertain due to the absence of conclusive functional and genetic evidence.

Blueprint Genetics
Classification: Likely benign. Last evaluated: 2024-11-22. Review status: criteria provided, single submitter. Criteria: ACMG Guidelines, 2015. Collection method: clinical testing. Allele origin: germline.

GeneDx
Classification: Uncertain significance. Last evaluated: 2023-12-10. Review status: criteria provided, single submitter. Criteria: GeneDx Variant Classification Process June 2021. Collection method: clinical testing. Allele origin: germline. Affected: yes.
Comment: In silico analysis supports that this missense variant has a deleterious effect on protein structure/function; Has not been previously published as pathogenic or benign to our knowledge

Labcorp Genetics (formerly Invitae), Labcorp
Classification: Uncertain significance for Joubert syndrome 20; Meckel syndrome, type 11. Last evaluated: 2022-10-24. Review status: criteria provided, single submitter. Criteria: Invitae Variant Classification Sherloc (09022015). Collection method: clinical testing. Allele origin: germline.
Comment: This sequence change replaces glutamic acid, which is acidic and polar, with alanine, which is neutral and non-polar, at codon 317 of the TMEM231 protein (p.Glu317Ala). This variant is present in population databases (rs199605221, gnomAD 0.09%), and has an allele count higher than expected for a pathogenic variant. This variant has not been reported in the literature in individuals affected with TMEM231-related conditions. ClinVar contains an entry for this variant (Variation ID: 286672). Algorithms developed to predict the effect of missense changes on protein structure and function are either unavailable or do not agree on the potential impact of this missense change (SIFT: "Deleterious"; PolyPhen-2: "Not Available"; Align-GVGD: "Class C65"). In summary, the available evidence is currently insufficient to determine the role of this variant in disease. Therefore, it has been classified as a Variant of Uncertain Significance.

Ambry Genetics
Classification: Uncertain significance for Inborn genetic diseases. Last evaluated: 2022-03-03. Review status: criteria provided, single submitter. Criteria: Ambry Variant Classification Scheme 2023. Collection method: clinical testing. Allele origin: germline.

Fulgent Genetics
Classification: Uncertain significance for Joubert syndrome 20; Meckel syndrome, type 11. Last evaluated: 2018-10-31. Review status: criteria provided, single submitter. Criteria: ACMG Guidelines, 2015. Collection method: clinical testing. Allele origin: unknown.

Eurofins Ntd Llc (ga)
Classification: Uncertain significance. Last evaluated: 2016-03-22. Review status: criteria provided, single submitter. Criteria: EGL Classification Definitions 2015. Collection method: clinical testing. Allele origin: germline. Observed: 1 variant allele, 1 heterozygote.

NM_001077418.3(TMEM231):c.791A>C (p.Glu264Ala)

Gene: TMEM231 (transmembrane protein 231; minus strand). Cytogenetic location: 16q23.1.
Variant type: single nucleotide variant.
Coding change: c.791A>C on transcript NM_001077418.3 (MANE Select); coding-DNA position 791, A replaced by C.
Protein change: p.Glu264Ala; replaces glutamic acid 264 with alanine.
Molecular consequence: missense variant. On other transcripts: non-coding transcript variant (1).
Genome position (GRCh38, 1-based): chr16:75,540,154, T>G on the plus strand (A>C on the coding strand, the complement: TMEM231 is on the minus strand). VCF-style: chr16-75540154-T-G. GRCh37 (hg19) VCF-style: chr16-75574052-T-G.
Other names: c.950A>C, p.Glu317Ala (NM_001077416.2); c.878A>C (NM_001077416.1); short protein forms E317A, E264A.
Identifiers: ClinVar variation 286672 (VCV000286672.16), dbSNP rs199605221, ClinGen allele CA8176022.